The following is an entry in ClinVar:

NM_018136.5(ASPM):c.3085A>G (p.Asn1029Asp)

Gene: ASPM (assembly factor for spindle microtubules; minus strand). Cytogenetic location: 1q31.3.
Variant type: single nucleotide variant.
Coding change: c.3085A>G on transcript NM_018136.5 (MANE Select); coding-DNA position 3085, A replaced by G.
Protein change: p.Asn1029Asp; replaces asparagine 1029 with aspartic acid.
Molecular consequence: missense variant.
Genome position (GRCh38, 1-based): chr1:197,124,953, T>C on the plus strand (A>G on the coding strand, the complement: ASPM is on the minus strand). VCF-style: chr1-197124953-T-C. GRCh37 (hg19) VCF-style: chr1-197094083-T-C.
Other names: c.3085A>G, p.Asn1029Asp (NM_001206846.2); short protein forms N1029D.
Identifiers: ClinVar variation 3605550 (VCV003605550.2).

ClinVar aggregate classification (germline): Uncertain significance (1 of 4 stars; one submission).

Submission:

Labcorp Genetics (formerly Invitae), Labcorp
Classification: Uncertain significance. Last evaluated: 2024-07-24. Review status: criteria provided, single submitter. Criteria: Invitae Variant Classification Sherloc (09022015). Collection method: clinical testing. Allele origin: germline.
Comment: This sequence change replaces asparagine, which is neutral and polar, with aspartic acid, which is acidic and polar, at codon 1029 of the ASPM protein (p.Asn1029Asp). This variant is present in population databases (rs370177381, gnomAD 0.007%). This variant has not been reported in the literature in individuals affected with ASPM-related conditions. An algorithm developed to predict the effect of missense changes on protein structure and function (PolyPhen-2) suggests that this variant is likely to be disruptive. In summary, the available evidence is currently insufficient to determine the role of this variant in disease. Therefore, it has been classified as a Variant of Uncertain Significance.